The following is an entry in ClinVar:

NM_000059.4(BRCA2):c.4993G>C (p.Glu1665Gln)

Gene: BRCA2 (BRCA2 DNA repair associated; plus strand). Cytogenetic location: 13q13.1.
Variant type: single nucleotide variant.
Coding change: c.4993G>C on transcript NM_000059.4 (MANE Select); coding-DNA position 4993, G replaced by C.
Protein change: p.Glu1665Gln; replaces glutamic acid 1665 with glutamine.
Molecular consequence: missense variant.
Genome position (GRCh38, 1-based): chr13:32,339,348, G>C. VCF-style: chr13-32339348-G-C. GRCh37 (hg19) VCF-style: chr13-32913485-G-C.
Other names: short protein forms E1665Q.
Identifiers: ClinVar variation 925500 (VCV000925500.6), dbSNP rs1485384156, ClinGen allele CA387783896.
Genomic context (GRCh38, chr13:32,339,348, plus strand): 5'-AAAGAAACAGCAAAAAGTCCTGCAACTTGTTACACAAATCAGTCCCCTTATTCAGTCATT[G>C]AAAATTCAGCCTTAGCTTTTTACACAAGTTGTAGTAGAAAAACTTCTGTGAGTCAGACTT-3'
Protein context (NP_000050.3, residues 1655-1675): YTNQSPYSVI[Glu1665Gln]NSALAFYTSC

ClinVar aggregate classification (germline): Conflicting classifications of pathogenicity. Review status: criteria provided, conflicting classifications (1 of 4 stars). 2 submissions from 2 submitters: Uncertain significance (1); Likely benign (1). Last evaluated 2023-12-05.

Conditions:
Hereditary cancer-predisposing syndrome. Also called: Neoplastic Syndromes, Hereditary; Tumor predisposition; Hereditary Cancer Syndrome; Hereditary neoplastic syndrome. Identifiers: Orphanet 140162, MedGen C0027672, MeSH D009386, MONDO:0015356.

Submissions (2):

Color Diagnostics, LLC DBA Color Health
Classification: Uncertain significance for Hereditary cancer-predisposing syndrome. Last evaluated: 2023-12-05. Review status: criteria provided, single submitter. Criteria: ACMG Guidelines, 2015. Collection method: clinical testing. Allele origin: germline.
Comment: This missense variant replaces glutamic acid with glutamine at codon 1665 of the BRCA2 protein. Computational prediction is inconclusive regarding the impact of this variant on protein structure and function (internally defined REVEL score threshold 0.5 < inconclusive < 0.7, PMID: 27666373). To our knowledge, functional studies have not been reported for this variant. This variant has not been reported in individuals affected with BRCA2-related disorders in the literature. This variant has not been identified in the general population by the Genome Aggregation Database (gnomAD). The available evidence is insufficient to determine the role of this variant in disease conclusively. Therefore, this variant is classified as a Variant of Uncertain Significance.

University of Washington Department of Laboratory Medicine, University of Washington
Classification: Likely benign for Hereditary cancer-predisposing syndrome. Last evaluated: 2023-03-23. Review status: criteria provided, single submitter. Criteria: Dines et al. (Genet Med. 2020). Collection method: curation. Allele origin: germline.
Comment: Missense variant in a coldspot region where missense variants are very unlikely to be pathogenic (PMID:31911673).

BRCA2 exon 11 coldspot. Reclassification based on statistical prior probability.